The following is an entry in ClinVar:

ClinVar aggregate classification (germline): Uncertain significance (1 of 4 stars; one submission).

Submission:

Labcorp Genetics (formerly Invitae), Labcorp
Classification: Uncertain significance. Last evaluated: 2023-11-07. Review status: criteria provided, single submitter. Criteria: Invitae Variant Classification Sherloc (09022015). Collection method: clinical testing. Allele origin: unknown.
Comment: A copy number gain of the genomic region encompassing the full coding sequence of the CLCN5 gene has been identified. The boundaries of this event are unknown as they extend beyond the assayed region for this gene and therefore may encompass additional genes. As the precise location of this event is unknown, it may be in tandem or it may be located elsewhere in the genome. This variant has not been reported in the literature in individuals affected with CLCN5-related conditions. In summary, the available evidence is currently insufficient to determine the role of this variant in disease. Therefore, it has been classified as a Variant of Uncertain Significance.

NC_000023.10:g.(?_49834581)_(49856876_?)dup

Gene: CLCN5 (chloride voltage-gated channel 5; plus strand). Cytogenetic location: Xp11.22.
Variant type: Duplication.
Identifiers: ClinVar variation 3245701 (VCV003245701.1).